The following is an entry in ClinVar:

ClinVar aggregate classification (germline): Uncertain significance (1 of 4 stars; one submission).

Conditions:
Glutaric aciduria, type 1. Also called: Glutaricaciduria, type I; Glutaryl-CoA dehydrogenase deficiency; Glutaric acidemia type I; Glutaricacidemia Type 1; GA I; Glutaric Acidemia Type 1. Identifiers: Orphanet 25, MedGen C0268595, MONDO:0009281, OMIM 231670.

Allele frequency attached by ClinVar (database versions not stated): gnomAD exomes below 0.00001.
gnomAD v4.1: 7 of 1,614,154 alleles (0.00043%); highest among the groups gnomAD compares: African/African-American, 0.0027%; no homozygotes.

Submission:

Labcorp Genetics (formerly Invitae), Labcorp
Classification: Uncertain significance for Glutaric aciduria, type 1. Last evaluated: 2023-04-24. Review status: criteria provided, single submitter. Criteria: Invitae Variant Classification Sherloc (09022015). Collection method: clinical testing. Allele origin: germline.
Comment: ClinVar contains an entry for this variant (Variation ID: 1416120). This sequence change replaces aspartic acid, which is acidic and polar, with asparagine, which is neutral and polar, at codon 230 of the GCDH protein (p.Asp230Asn). This variant is not present in population databases (gnomAD no frequency). This variant has not been reported in the literature in individuals affected with GCDH-related conditions. Advanced modeling of protein sequence and biophysical properties (such as structural, functional, and spatial information, amino acid conservation, physicochemical variation, residue mobility, and thermodynamic stability) performed at Invitae indicates that this missense variant is not expected to disrupt GCDH protein function. In summary, the available evidence is currently insufficient to determine the role of this variant in disease. Therefore, it has been classified as a Variant of Uncertain Significance.

NM_000159.4(GCDH):c.688G>A (p.Asp230Asn)

Gene: GCDH (glutaryl-CoA dehydrogenase; plus strand). Cytogenetic location: 19p13.13.
Variant type: single nucleotide variant.
Coding change: c.688G>A on transcript NM_000159.4 (MANE Select); coding-DNA position 688, G replaced by A.
Protein change: p.Asp230Asn; replaces aspartic acid 230 with asparagine.
Molecular consequence: missense variant. On other transcripts: non-coding transcript variant (2).
Genome position (GRCh38, 1-based): chr19:12,896,257, G>A. VCF-style: chr19-12896257-G-A. GRCh37 (hg19) VCF-style: chr19-13007071-G-A.
Other names: c.688G>A, p.Asp230Asn (NM_013976.5); short protein forms D230N.
Identifiers: ClinVar variation 1416120 (VCV001416120.6), dbSNP rs575325364, ClinGen allele CA305500646.
Genomic context (GRCh38, chr19:12,896,257, plus strand): 5'-ATCCCCAGGATCACGAACTCGCCTATGGCCGATCTGTTTGTAGTGTGGGCTCGGTGTGAA[G>A]ATGGCTGCATTCGGGGCTTCCTGCTGGAGAAGGGGATGCGGGGTCTCTCGGCCCCCAGGA-3'
Protein context (NP_000150.1, residues 220-240): DLFVVWARCE[Asp230Asn]GCIRGFLLEK